The following is an entry in ClinVar:

ClinVar aggregate classification (germline): Uncertain significance (1 of 4 stars; one submission).

Conditions:
Early-infantile DEE. Also called: Early infantile epileptic encephalopathy with suppression bursts; Ohtahara syndrome; Early infantile epileptic encephalopathy. Identifiers: Orphanet 1934, MedGen C0393706, MONDO:0800491.

Allele frequency attached by ClinVar (database versions not stated): gnomAD exomes below 0.00001.
gnomAD v4.1: 2 of 1,614,208 alleles (0.00012%); highest among the groups gnomAD compares: East Asian, 0.0045%; no homozygotes.

Submission:

Labcorp Genetics (formerly Invitae), Labcorp
Classification: Uncertain significance for Early-infantile DEE. Last evaluated: 2021-07-05. Review status: criteria provided, single submitter. Criteria: Invitae Variant Classification Sherloc (09022015). Collection method: clinical testing. Allele origin: germline.
Comment: This sequence change replaces leucine with phenylalanine at codon 64 of the SPTAN1 protein (p.Leu64Phe). The leucine residue is highly conserved and there is a small physicochemical difference between leucine and phenylalanine. This variant is not present in population databases (ExAC no frequency). This variant has not been reported in the literature in individuals affected with SPTAN1-related conditions. Algorithms developed to predict the effect of missense changes on protein structure and function are either unavailable or do not agree on the potential impact of this missense change (SIFT: "Deleterious"; PolyPhen-2: "Probably Damaging"; Align-GVGD: "Class C15"). In summary, the available evidence is currently insufficient to determine the role of this variant in disease. Therefore, it has been classified as a Variant of Uncertain Significance.

NM_001130438.3(SPTAN1):c.190C>T (p.Leu64Phe)

Gene: SPTAN1 (spectrin alpha, non-erythrocytic 1; plus strand). Cytogenetic location: 9q34.11.
Variant type: single nucleotide variant.
Coding change: c.190C>T on transcript NM_001130438.3 (MANE Select); coding-DNA position 190, C replaced by T.
Protein change: p.Leu64Phe; replaces leucine 64 with phenylalanine.
Molecular consequence: missense variant.
Genome position (GRCh38, 1-based): chr9:128,566,930, C>T. VCF-style: chr9-128566930-C-T. GRCh37 (hg19) VCF-style: chr9-131329209-C-T.
Other names: c.190C>T, p.Leu64Phe (NM_001195532.2, NM_001363759.2, NM_001363765.2 and 5 more transcripts); c.226C>T, p.Leu76Phe (NM_001375312.2, NM_001375318.1); short protein forms L76F, L64F.
Identifiers: ClinVar variation 1366026 (VCV001366026.9), dbSNP rs1589149870, ClinGen allele CA375049923.